The following is an entry in ClinVar:

NM_003172.4(SURF1):c.826G>A (p.Val276Met)

Gene: SURF1 (SURF1 cytochrome c oxidase assembly factor; minus strand). Cytogenetic location: 9q34.2.
Variant type: single nucleotide variant.
Coding change: c.826G>A on transcript NM_003172.4 (MANE Select); coding-DNA position 826, G replaced by A.
Protein change: p.Val276Met; replaces valine 276 with methionine.
Molecular consequence: missense variant.
Genome position (GRCh38, 1-based): chr9:133,352,068, C>T on the plus strand (G>A on the coding strand, the complement: SURF1 is on the minus strand). VCF-style: chr9-133352068-C-T. GRCh37 (hg19) VCF-style: chr9-136218923-C-T.
Other names: c.499G>A, p.Val167Met (NM_001280787.1); short protein forms V276M, V167M.
Identifiers: ClinVar variation 521139 (VCV000521139.11), dbSNP rs141561701, ClinGen allele CA200832020.

ClinVar aggregate classification (germline): Uncertain significance. Review status: criteria provided, multiple submitters, no conflicts (2 of 4 stars). 3 submissions from 3 submitters: Uncertain significance (3). Last evaluated 2023-10-30.

Conditions:
Inborn genetic diseases. Identifiers: MedGen C0950123, MeSH D030342.
Leigh syndrome (NULS). Also called: Leigh Syndrome (mtDNA deletion); Leigh's necrotizing encephalopathy; Leigh's disease; Leigh's syndrome; Subacute necrotizing encephalopathy; Necrotizing encephalopathy infantile subacute of Leigh. Identifiers: Orphanet 506, MedGen C2931891, MONDO:0009723, OMIM 256000.

Allele frequency attached by ClinVar (database versions not stated): gnomAD exomes 0.00001; TOPMed 0.00002; gnomAD 0.00003; ESP Exome Variant Server 0.00008.
gnomAD v4.1: 16 of 1,611,532 alleles (0.00099%); highest among the groups gnomAD compares: African/African-American, 0.008%; no homozygotes.

Submissions (3):

Revvity Omics, Revvity
Classification: Uncertain significance. Last evaluated: 2023-10-30. Review status: criteria provided, single submitter. Criteria: ACMG Guidelines, 2015. Collection method: clinical testing. Allele origin: germline.

Labcorp Genetics (formerly Invitae), Labcorp
Classification: Uncertain significance for Leigh syndrome. Last evaluated: 2022-07-23. Review status: criteria provided, single submitter. Criteria: Invitae Variant Classification Sherloc (09022015). Collection method: clinical testing. Allele origin: germline.
Comment: This sequence change replaces valine, which is neutral and non-polar, with methionine, which is neutral and non-polar, at codon 276 of the SURF1 protein (p.Val276Met). This variant is present in population databases (rs141561701, gnomAD 0.01%). This variant has not been reported in the literature in individuals affected with SURF1-related conditions. ClinVar contains an entry for this variant (Variation ID: 521139). Algorithms developed to predict the effect of missense changes on protein structure and function are either unavailable or do not agree on the potential impact of this missense change (SIFT: "Deleterious"; PolyPhen-2: "Benign"; Align-GVGD: "Class C0"). In summary, the available evidence is currently insufficient to determine the role of this variant in disease. Therefore, it has been classified as a Variant of Uncertain Significance.

Ambry Genetics
Classification: Uncertain significance for Inborn genetic diseases. Last evaluated: 2016-10-13. Review status: criteria provided, single submitter. Criteria: Ambry exome assertion method (8-5-2015). Collection method: clinical testing. Allele origin: germline. Affected: yes. Observed: 1 variant allele.